The following is an entry in ClinVar:

NM_001018115.3(FANCD2):c.2116C>G (p.Gln706Glu)

Genes: FANCD2 (FA complementation group D2; plus strand), LOC107303338 (3p25 FANCD2 Alu-mediated recombination region; plus strand). Cytogenetic location: 3p25.3.
Variant type: single nucleotide variant.
Coding change: c.2116C>G on transcript NM_001018115.3 (MANE Select); coding-DNA position 2116, C replaced by G.
Protein change: p.Gln706Glu; replaces glutamine 706 with glutamic acid.
Molecular consequence: missense variant.
Genome position (GRCh38, 1-based): chr3:10,064,823, C>G. VCF-style: chr3-10064823-C-G. GRCh37 (hg19) VCF-style: chr3-10106507-C-G.
Other names: c.2116C>G, p.Gln706Glu (NM_001319984.2, NM_001374254.1, NM_033084.6); c.2005C>G, p.Gln669Glu (NM_001374253.1); short protein forms Q669E, Q706E.
Identifiers: ClinVar variation 861435 (VCV000861435.5), dbSNP rs147532349, ClinGen allele CA2249965.

ClinVar aggregate classification (germline): Uncertain significance. Review status: criteria provided, multiple submitters, no conflicts (2 of 4 stars). 2 submissions from 2 submitters: Uncertain significance (2). Last evaluated 2022-11-10.

Conditions:
Inborn genetic diseases. Identifiers: MedGen C0950123, MeSH D030342.
Fanconi anemia (FA). Also called: Fanconi's anemia. Identifiers: Orphanet 84, MedGen C0015625, MeSH D005199, MONDO:0019391.

Allele frequency attached by ClinVar (database versions not stated): ExAC 0.00002; gnomAD 0.00003; gnomAD exomes 0.00003; ESP Exome Variant Server 0.00008.
gnomAD v4.1: 113 of 1,613,818 alleles (0.007%); highest among the groups gnomAD compares: Non-Finnish European, 0.0094%; no homozygotes.

Submissions (2):

Ambry Genetics
Classification: Uncertain significance for Inborn genetic diseases. Last evaluated: 2022-11-10. Review status: criteria provided, single submitter. Criteria: Ambry Variant Classification Scheme 2023. Collection method: clinical testing. Allele origin: germline.

Labcorp Genetics (formerly Invitae), Labcorp
Classification: Uncertain significance for Fanconi anemia. Last evaluated: 2022-08-03. Review status: criteria provided, single submitter. Criteria: Invitae Variant Classification Sherloc (09022015). Collection method: clinical testing. Allele origin: germline.
Comment: This sequence change replaces glutamine, which is neutral and polar, with glutamic acid, which is acidic and polar, at codon 706 of the FANCD2 protein (p.Gln706Glu). This variant is present in population databases (rs147532349, gnomAD 0.005%). This variant has not been reported in the literature in individuals affected with FANCD2-related conditions. ClinVar contains an entry for this variant (Variation ID: 861435). Algorithms developed to predict the effect of missense changes on protein structure and function output the following: SIFT: "Tolerated"; PolyPhen-2: "Benign"; Align-GVGD: "Class C0". The glutamic acid amino acid residue is found in multiple mammalian species, which suggests that this missense change does not adversely affect protein function. In summary, the available evidence is currently insufficient to determine the role of this variant in disease. Therefore, it has been classified as a Variant of Uncertain Significance.